The following is an entry in ClinVar:

ClinVar aggregate classification (germline): Pathogenic. Review status: criteria provided, multiple submitters, no conflicts (2 of 4 stars). 2 submissions from 2 submitters: Pathogenic (2). Last evaluated 2022-12-18.

Conditions:
Heterotaxy, visceral, 8, autosomal (HTX8). Identifiers: MedGen C4310668, MONDO:0014967, OMIM 617205.

Allele frequency attached by ClinVar (database versions not stated): gnomAD exomes below 0.00001.
gnomAD v4.1: 2 of 1,614,056 alleles (0.00012%); highest among the groups gnomAD compares: Middle Eastern, 0.017%; no homozygotes.

Submissions (2):

GeneDx
Classification: Pathogenic. Last evaluated: 2022-12-18. Review status: criteria provided, single submitter. Criteria: GeneDx Variant Classification Process June 2021. Collection method: clinical testing. Allele origin: germline. Affected: yes.
Comment: Nonsense variant predicted to result in protein truncation or nonsense mediated decay in a gene for which loss-of-function is a known mechanism of disease; Not observed at significant frequency in large population cohorts (gnomAD); This variant is associated with the following publications: (PMID: 32367404, 34316023)

Baylor Genetics
Classification: Pathogenic for Heterotaxy, visceral, 8, autosomal. Last evaluated: 2019-11-27. Review status: criteria provided, single submitter. Criteria: ACMG Guidelines, 2015. Collection method: clinical testing. Allele origin: unknown. Affected: yes.
Comment: This variant was determined to be pathogenic according to ACMG Guidelines, 2015 [PMID:25741868].

NM_138295.5(PKD1L1):c.3601C>T (p.Gln1201Ter)

Gene: PKD1L1 (polycystin 1 like 1, transient receptor potential channel interacting; minus strand). Cytogenetic location: 7p12.3.
Variant type: single nucleotide variant.
Coding change: c.3601C>T on transcript NM_138295.5 (MANE Select); coding-DNA position 3601, C replaced by T.
Protein change: p.Gln1201Ter; replaces glutamine 1201 with a stop codon.
Molecular consequence: nonsense.
Genome position (GRCh38, 1-based): chr7:47,877,551, G>A on the plus strand (C>T on the coding strand, the complement: PKD1L1 is on the minus strand). VCF-style: chr7-47877551-G-A. GRCh37 (hg19) VCF-style: chr7-47917149-G-A.
Other names: short protein forms Q1201*.
Identifiers: ClinVar variation 1027701 (VCV001027701.2), dbSNP rs1786435779, ClinGen allele CA367477875.